The following is an entry in ClinVar:

ClinVar aggregate classification (germline): Uncertain significance. Review status: criteria provided, multiple submitters, no conflicts (2 of 4 stars). 2 submissions from 2 submitters: Uncertain significance (2). Last evaluated 2022-07-05.

Conditions:
Ehlers-Danlos syndrome, arthrochalasia type, 2. Also called: EHLERS-DANLOS SYNDROME, TYPE VIIB, AUTOSOMAL DOMINANT. Identifiers: MedGen CN293783, MONDO:0040501, OMIM 617821.
Ehlers-Danlos syndrome, cardiac valvular type. Identifiers: Orphanet 230851, MedGen C4303789, MONDO:0009159, OMIM 225320.
Osteogenesis imperfecta (OI). Identifiers: Orphanet 666, MedGen C0029434, MeSH D010013, MONDO:0019019.
Osteogenesis imperfecta type I (OI1). Also called: Lobstein's Disease; Classic Non-deforming Osteogenesis Imperfecta with Blue Sclerae; Lobstein disease; OI, TYPE I; OSTEOGENESIS IMPERFECTA TARDA; OSTEOGENESIS IMPERFECTA WITH BLUE SCLERAE. Identifiers: Orphanet 216796, Orphanet 666, MedGen C0023931, MONDO:0008146, OMIM 166200. Disease mechanism: loss of function.
Ehlers-Danlos syndrome, classic type, 1 (EDSCL1). Also called: Ehlers-Danlos syndrome, type 1; Ehlers-Danlos Syndrome, Classic Type, COL5A1-Related; EDS I; EHLERS-DANLOS SYNDROME, GRAVIS TYPE; EHLERS-DANLOS SYNDROME, SEVERE CLASSIC TYPE. Identifiers: MedGen C0268335, MONDO:0019567, OMIM 130000.

gnomAD v4.1: 14 of 1,614,080 alleles (0.00087%); highest among the groups gnomAD compares: Non-Finnish European, 0.0012%; no homozygotes.

Submissions (2):

Labcorp Genetics (formerly Invitae), Labcorp
Classification: Uncertain significance for Osteogenesis imperfecta type I; Ehlers-Danlos syndrome, classic type, 1. Last evaluated: 2022-07-05. Review status: criteria provided, single submitter. Criteria: Invitae Variant Classification Sherloc (09022015). Collection method: clinical testing. Allele origin: germline.
Comment: This sequence change replaces proline, which is neutral and non-polar, with histidine, which is basic and polar, at codon 123 of the COL1A2 protein (p.Pro123His). In summary, the available evidence is currently insufficient to determine the role of this variant in disease. Therefore, it has been classified as a Variant of Uncertain Significance. Algorithms developed to predict the effect of missense changes on protein structure and function are either unavailable or do not agree on the potential impact of this missense change (SIFT: "Deleterious"; PolyPhen-2: "Not Available"; Align-GVGD: "Class C65"). ClinVar contains an entry for this variant (Variation ID: 839130). This variant has not been reported in the literature in individuals affected with COL1A2-related conditions. This variant is not present in population databases (gnomAD no frequency).

Victorian Clinical Genetics Services, Murdoch Childrens Research Institute
Classification: Uncertain significance for Ehlers-Danlos syndrome, arthrochalasia type, 2. Last evaluated: 2022-03-31. Review status: criteria provided, single submitter. Criteria: ACMG Guidelines, 2015. Collection method: clinical testing. Allele origin: germline. Inheritance: Autosomal dominant inheritance. Affected: yes.
Comment: Based on the classification scheme VCGS_Germline_v1.3.4, this variant is classified as VUS-3B. Following criteria are met: 0103 - Dominant negative and loss of function are known mechanisms of disease in this gene. Heterozygous missense variants causing severe and lethal forms of osteogenesis imperfecta (MIM#s166210, 259420, 166220) are due to a dominant negative mechanism, whereas biallelic loss of function variants result in the autosomal recessive form of Ehlers-Danlos syndrome (MIM#225320). The exact mechanism of disease for the autosomal dominant form of Ehlers-Danlos syndrome (MIM#2617821) remains unclear, however variants have been shown to result in whole or partial skipping of exon 6 (PMIDs: 12362985, 31218159). (I) 0108 - This gene is associated with both recessive and dominant disease. Most phenotypes associated with this gene are autosomal dominant, however the cardiac valvular type of Ehlers-Danlos syndrome (MIM#225320) is recessively inherited (OMIM). (I) 0115 - Variants in this gene are known to have variable expressivity (PMID: 20301472). (I) 0200 - Variant is predicted to result in a missense amino acid change from proline to histidine. (I) 0251 - This variant is heterozygous. (I) 0301 - Variant is absent from gnomAD (both v2 and v3). (SP) 0502 - Missense variant with conflicting in silico predictions and high conservation. (I) 0600 - Variant is located in the annotated collagen triple helix and affects the Y of a Gly-X-Y repeat (DECIPHER). (I) 0710 - Another missense variant comparable to the one identified in this case has inconclusive previous evidence for pathogenicity. p.(Pro123Thr) has been observed by a clinical laboratory in ClinVar and classified as a VUS. (I) 0809 - Previous evidence of pathogenicity for this variant is inconclusive. This variant has been observed by a clinical laboratory in ClinVar and classifed as a VUS. (I) 0905 - No published segregation evidence has been identified for this variant. (I) 1007 - No published functional evidence has been identified for this variant. (I) 1208 - Inheritance information for this variant is not currently available in this individual. (I) Legend: (SP) - Supporting pathogenic, (I) - Information, (SB) - Supporting benign

Literature cited by the submitters: PubMed 12362985 (cited by Victorian Clinical Genetics Services, Murdoch Childrens Research Institute); PubMed 20301472 (cited by Victorian Clinical Genetics Services, Murdoch Childrens Research Institute); PubMed 31218159 (cited by Victorian Clinical Genetics Services, Murdoch Childrens Research Institute).

NM_000089.4(COL1A2):c.368C>A (p.Pro123His)

Gene: COL1A2 (collagen type I alpha 2 chain; plus strand). Cytogenetic location: 7q21.3.
Variant type: single nucleotide variant.
Coding change: c.368C>A on transcript NM_000089.4 (MANE Select); coding-DNA position 368, C replaced by A.
Protein change: p.Pro123His; replaces proline 123 with histidine.
Molecular consequence: missense variant.
Genome position (GRCh38, 1-based): chr7:94,404,736, C>A. VCF-style: chr7-94404736-C-A. GRCh37 (hg19) VCF-style: chr7-94034048-C-A.
Other names: short protein forms P123H.
Identifiers: ClinVar variation 839130 (VCV000839130.13), dbSNP rs1791759808, ClinGen allele CA368219612.